The following is an entry in ClinVar:

NM_177438.3(DICER1):c.4049A>G (p.Lys1350Arg)

Gene: DICER1 (dicer 1, ribonuclease III; minus strand). Cytogenetic location: 14q32.13.
Variant type: single nucleotide variant.
Coding change: c.4049A>G on transcript NM_177438.3 (MANE Select); coding-DNA position 4049, A replaced by G.
Protein change: p.Lys1350Arg; replaces lysine 1350 with arginine.
Molecular consequence: missense variant. On other transcripts: non-coding transcript variant (6).
Genome position (GRCh38, 1-based): chr14:95,103,347, T>C on the plus strand (A>G on the coding strand, the complement: DICER1 is on the minus strand). VCF-style: chr14-95103347-T-C. GRCh37 (hg19) VCF-style: chr14-95569684-T-C.
Other names: c.4049A>G, p.Lys1350Arg (NM_001195573.1, NM_001271282.3, NM_001291628.2 and 13 more transcripts); c.3767A>G, p.Lys1256Arg (NM_001395686.1); c.3644A>G, p.Lys1215Arg (NM_001395687.1, NM_001395688.1, NM_001395689.1 and 2 more transcripts); c.3482A>G, p.Lys1161Arg (NM_001395691.1); c.2366A>G, p.Lys789Arg (NM_001395697.1); short protein forms K1161R, K1215R, K1350R, K1256R, K789R.
Identifiers: ClinVar variation 2114069 (VCV002114069.4), dbSNP rs1555369270, ClinGen allele CA390872873.

ClinVar aggregate classification (germline): Uncertain significance (1 of 4 stars; one submission).

Conditions:
DICER1-related tumor predisposition. Also called: DICER1 syndrome; DICER1-related pleuropulmonary blastoma cancer predisposition syndrome. Identifiers: Orphanet 284343, MedGen C3839822, MONDO:0100216.

Submission:

Labcorp Genetics (formerly Invitae), Labcorp
Classification: Uncertain significance for DICER1-related tumor predisposition. Last evaluated: 2022-03-18. Review status: criteria provided, single submitter. Criteria: Invitae Variant Classification Sherloc (09022015). Collection method: clinical testing. Allele origin: germline.
Comment: This variant is not present in population databases (gnomAD no frequency). This sequence change replaces lysine, which is basic and polar, with arginine, which is basic and polar, at codon 1350 of the DICER1 protein (p.Lys1350Arg). In summary, the available evidence is currently insufficient to determine the role of this variant in disease. Therefore, it has been classified as a Variant of Uncertain Significance. Algorithms developed to predict the effect of missense changes on protein structure and function are either unavailable or do not agree on the potential impact of this missense change (SIFT: "Tolerated"; PolyPhen-2: "Probably Damaging"; Align-GVGD: "Class C0"). This variant has not been reported in the literature in individuals affected with DICER1-related conditions.